The following is an entry in ClinVar:

NM_000492.4(CFTR):c.1820_1903del (p.Met607_Gln634del)

Gene: CFTR (CF transmembrane conductance regulator; plus strand). Cytogenetic location: 7q31.2.
Variant type: Deletion.
Coding change: c.1820_1903del on transcript NM_000492.4 (MANE Select); coding-DNA positions 1820 to 1903, 84 bases deleted.
Protein change: p.Met607_Gln634del.
Molecular consequence: inframe deletion.
Genome position (GRCh38, 1-based): chr7:117,591,987-117,592,070, 84 bases deleted. GRCh37 (hg19): chr7:117,232,041-117,232,124.
Other names: p.Met607_Gln634del; c.1820_1903del84 (NM_000492.4, NM_000492.3); c.1817_1900del (NM_000492.3).
Identifiers: ClinVar variation 53396 (VCV000053396.20), dbSNP rs121908777, ClinGen allele CA325542.

ClinVar aggregate classification (germline): Pathogenic. Review status: reviewed by expert panel (3 of 4 stars). 12 submissions from 12 submitters: Pathogenic (1). 11 of the submissions do not count toward it. Last evaluated 2021-09-24.

Conditions:
Congenital bilateral aplasia of vas deferens from CFTR mutation (CBAVD). Identifiers: Orphanet 48, MedGen C0403814, MONDO:0010178, OMIM 277180. Disease mechanism: loss of function.
Hereditary pancreatitis (PCTT). Also called: PRSS1-Related Hereditary Pancreatitis; Hereditary chronic pancreatitis. Identifiers: Orphanet 676, MedGen C0238339, MONDO:0008185, OMIM 167800.
Cystic fibrosis (CF). Also called: MUCOVISCIDOSIS. Identifiers: Orphanet 586, MedGen C0010674, MONDO:0009061, OMIM 219700. Disease mechanism: loss of function.
Bronchiectasis with or without elevated sweat chloride 1 (BESC1). Also called: Cystic Fibrosis-Like Syndrome. Identifiers: Orphanet 60033, MedGen C2749757, MONDO:0008887, OMIM 211400.

Submissions (12):

CFTR2
Classification: Pathogenic for Cystic fibrosis. Last evaluated: 2021-09-24. Review status: reviewed by expert panel. Criteria: Submitter's publication and website. Collection method: research. Allele origin: germline. Affected: yes.

Ambry Genetics
Classification: Pathogenic for Cystic fibrosis. Last evaluated: 2026-03-16. Review status: criteria provided, single submitter. Criteria: Ambry Variant Classification Scheme 2023. Collection method: clinical testing. Allele origin: germline. Not counted in ClinVar's aggregate classification.
Comment: The c.1820_1903del84 pathogenic mutation (also known as p.M607_Q634del) is located in coding exon 14 of the CFTR gene. This pathogenic mutation results from an in-frame deletion of 84 nucleotides at nucleotide positions 1820 to 1903. This results in the in-frame deletion of 28 amino acids at codons 607 to 634. This variant has been identified in the homozygous state and/or in conjunction with other CFTR variant(s) in individual(s) with features consistent with cystic fibrosis (CF) (Granell R et al. Am. J. Hum. Genet., 1992 May;50:1022-6; Nunes V et al. Hum. Mutat., 1992;1:375-9; Sugarman EA et al. Genet. Med., 2004;6:392-9; Salinas DB et al. PLoS ONE, 2016 May;11:e0155624). This variant has been reported in multiple individuals with an elevated sweat chloride level in The Clinical and Functional TRanslation of CFTR (CFTR2) database (available at CFTR2. Accessed 03/16/2026). Of note, this alteration is also known as 1949del84, and c.1817_1900del84 in published literature. This amino acid region is not well conserved in available vertebrate species and the impacted region is critical for protein function (Ambry internal data). This variant is considered to be rare based on population cohorts in the Genome Aggregation Database (gnomAD). Based on the supporting evidence, this variant is interpreted as a disease-causing mutation.

Labcorp Genetics (formerly Invitae), Labcorp
Classification: Pathogenic for Cystic fibrosis. Last evaluated: 2025-12-19. Review status: criteria provided, single submitter. Criteria: Invitae Variant Classification Sherloc (09022015). Collection method: clinical testing. Allele origin: germline. Not counted in ClinVar's aggregate classification.
Comment: This variant, c.1820_1903del, results in the deletion of 28 amino acid(s) of the CFTR protein (p.Met607_Gln634del), but otherwise preserves the integrity of the reading frame. This variant is not present in population databases (gnomAD no frequency). This variant has been observed in individual(s) with clinical features of cystic fibrosis (PMID: 1373934, 21520337). In at least one individual the data is consistent with being in trans (on the opposite chromosome) from a pathogenic variant. ClinVar contains an entry for this variant (Variation ID: 53396). This variant disrupts the p.Asp614 amino acid residue in CFTR. Other variant(s) that disrupt this residue have been determined to be pathogenic (PMID: 9736778, 12454843, 17413420, 21679131). This suggests that this residue is clinically significant, and that variants that disrupt this residue are likely to be disease-causing. For these reasons, this variant has been classified as Pathogenic.

Women's Health and Genetics/Laboratory Corporation of America, LabCorp
Classification: Pathogenic for Cystic fibrosis. Last evaluated: 2025-03-03. Review status: criteria provided, single submitter. Criteria: LabCorp Variant Classification Summary - May 2015. Collection method: clinical testing. Allele origin: germline. Not counted in ClinVar's aggregate classification.
Comment: Variant summary: CFTR c.1820_1903del84 (p.Met607_Gln634del) results in an in-frame deletion that is predicted to remove 28 amino acids from the encoded protein. The variant allele was found at a frequency of 9.3e-06 in 966448 control chromosomes. c.1820_1903del84 has been reported in the literature in multiple individuals affected with Cystic Fibrosis. These data indicate that the variant is very likely to be associated with disease. To our knowledge, no experimental evidence demonstrating an impact on protein function has been reported. The following publications have been ascertained in the context of this evaluation (PMID: 15371903, 1373934, 17331079, 10777364, 21520337, 21474639, 1284539). ClinVar contains an entry for this variant (Variation ID: 53396). Based on the evidence outlined above, the variant was classified as pathogenic.

Fulgent Genetics
Classification: Pathogenic for Hereditary pancreatitis; Bronchiectasis with or without elevated sweat chloride 1; Cystic fibrosis; Congenital bilateral aplasia of vas deferens from CFTR mutation. Last evaluated: 2024-02-28. Review status: criteria provided, single submitter. Criteria: ACMG Guidelines, 2015. Collection method: clinical testing. Allele origin: germline. Not counted in ClinVar's aggregate classification.

3billion
Classification: Pathogenic for Cystic fibrosis. Last evaluated: 2023-08-11. Review status: criteria provided, single submitter. Criteria: ACMG Guidelines, 2015. Collection method: clinical testing. Allele origin: germline. Affected: yes. Not counted in ClinVar's aggregate classification.
Comment: The variant is not observed in the gnomAD v2.1.1 dataset. Predicted Consequence/Location: Inframe deletion located in a nonrepeat region - predicted to change the length of the protein and disrupt normal protein function. The variant has been reported multiple times as an established pathogenic variant (ClinVar ID: VCV000053396 / PMID: 1373934). Therefore, the variant is classified as pathogenic according to the recommendation of ACMG/AMP guideline.

Mayo Clinic Laboratories, Mayo Clinic
Classification: Pathogenic. Last evaluated: 2022-09-21. Review status: criteria provided, single submitter. Criteria: ACMG Guidelines, 2015. Collection method: clinical testing. Allele origin: germline. Observed: 1 variant allele. Not counted in ClinVar's aggregate classification.

Johns Hopkins Genomics, Johns Hopkins University
Classification: Likely pathogenic for Cystic fibrosis. Last evaluated: 2020-12-07. Review status: criteria provided, single submitter. Criteria: ACMG Guidelines, 2015. Collection method: clinical testing. Allele origin: germline. Not counted in ClinVar's aggregate classification.
Comment: This CFTR variant is predicted to result in an in-frame deletion of 28 amino acids. It has been identified in multiple individuals with a classic cystic fibrosis phenotype. This variant has been reported in ClinVar. We consider c.1820_1903del to be likely pathogenic.

Myriad Genetics, Inc.
Classification: Likely pathogenic for Cystic fibrosis. Last evaluated: 2019-12-04. Review status: criteria provided, single submitter. Criteria: Myriad Women's Health Autosomal Recessive and X-Linked Classification Criteria (2019). Collection method: clinical testing. Allele origin: unknown. Not counted in ClinVar's aggregate classification.
Comment: NM_000492.3(CFTR):c.1820_1903del84(aka M607_Q643del) is classified as likely pathogenic in the context of cystic fibrosis. Sources cited for classification include the following: PMID 1373934, 15371903, 10875853, 15858154, 21520337, 10777364, 21474639 and 1284539. Classification of NM_000492.3(CFTR):c.1820_1903del84(aka M607_Q643del) is based on the following criteria: This variant has been observed more frequently in patients with clinical diagnoses than in healthy populations. Please note: this variant was assessed in the context of healthy population screening.

CFTR-France
Classification: Pathogenic for cystic fibrosis. Last evaluated: 2018-01-29. Review status: criteria provided, single submitter. Criteria: Claustres M et al. (Hum Mutat 2017). Collection method: curation. Allele origin: germline. Affected: yes. Not counted in ClinVar's aggregate classification.

Clinical Genetics Service, Universitary Hospital 12 de Octubre
Classification: Pathogenic for Cystic fibrosis. Review status: criteria provided, single submitter. Criteria: ACMG Guidelines, 2015. Collection method: clinical testing. Allele origin: paternal. Affected: yes. Not counted in ClinVar's aggregate classification.

OMIM
Classification: Pathogenic for CYSTIC FIBROSIS. Last evaluated: 1992-05-01. Review status: no assertion criteria provided. Collection method: literature only. Allele origin: germline. Not counted in ClinVar's aggregate classification.

Literature cited by the submitters: PubMed 10777364 (cited by 3 submitters); PubMed 1284539 (cited by 5 submitters); PubMed 1373934 (cited by 7 submitters); PubMed 15371903 (cited by 3 submitters); PubMed 27214204 (cited by Ambry Genetics and Johns Hopkins Genomics, Johns Hopkins University); PubMed 21520337 (cited by 3 submitters); PubMed 9736778 (cited by Labcorp Genetics (formerly Invitae), Labcorp); PubMed 12454843 (cited by Labcorp Genetics (formerly Invitae), Labcorp); PubMed 17413420 (cited by Labcorp Genetics (formerly Invitae), Labcorp); PubMed 21679131 (cited by Labcorp Genetics (formerly Invitae), Labcorp); PubMed 17331079 (cited by Women's Health and Genetics/Laboratory Corporation of America, LabCorp); PubMed 21474639 (cited by Women's Health and Genetics/Laboratory Corporation of America, LabCorp and Myriad Genetics, Inc.); PubMed 10875853 (cited by Myriad Genetics, Inc.); PubMed 15858154 (cited by Myriad Genetics, Inc.).